The following is an entry in ClinVar:

NM_000548.5(TSC2):c.3814+10A>G

Gene: TSC2 (TSC complex subunit 2; plus strand). Cytogenetic location: 16p13.3.
Variant type: single nucleotide variant.
Coding change: c.3814+10A>G on transcript NM_000548.5 (MANE Select); 10 bases into the intron after coding-DNA position 3814, A replaced by G.
Molecular consequence: intron variant.
Genome position (GRCh38, 1-based): chr16:2,081,808, A>G. VCF-style: chr16-2081808-A-G. GRCh37 (hg19) VCF-style: chr16-2131809-A-G.
Other names: c.3814+10A>G (NM_001114382.3); c.3685+10A>G (NM_021055.3, NM_001370405.1, NM_001363528.2); c.3682+10A>G (NM_001370404.1, NM_001077183.3); c.3574+10A>G (NM_001318827.2); c.3082+10A>G (NM_001318831.2); c.3538+10A>G (NM_001318829.2); c.3715+10A>G (NM_001318832.2).
Identifiers: ClinVar variation 514041 (VCV000514041.14), dbSNP rs200309006, ClinGen allele CA276750237.

ClinVar aggregate classification (germline): Benign/Likely benign. Review status: criteria provided, multiple submitters, no conflicts (2 of 4 stars). 5 submissions from 5 submitters: Benign (1); Likely benign (4). Last evaluated 2025-09-15.

Conditions:
Lymphangiomyomatosis (LAM). Also called: Lymphangioleiomyomatosis; Lymphangioleiomyomatosis, somatic. Identifiers: Orphanet 538, MedGen C0751674, MONDO:0011705, OMIM 606690.
Tuberous sclerosis 2 (TSC2). Identifiers: Orphanet 805, MedGen C1860707, MONDO:0013199, OMIM 613254.
Isolated focal cortical dysplasia type II (FCORD2). Also called: CORTICAL DYSPLASIA OF TAYLOR; Focal cortical dysplasia type II. Identifiers: Orphanet 268994, MedGen C1846385, MONDO:0011818, OMIM 607341, HP:0032051.

Allele frequency attached by ClinVar (database versions not stated): gnomAD exomes below 0.00001 and 0.00001; TOPMed below 0.00001; gnomAD 0.00001.
gnomAD v4.1: 24 of 1,611,584 alleles (0.0015%); highest among the groups gnomAD compares: Non-Finnish European, 0.0017%; no homozygotes.

Submissions (5):

Labcorp Genetics (formerly Invitae), Labcorp
Classification: Likely benign for Tuberous sclerosis 2. Last evaluated: 2025-09-15. Review status: criteria provided, single submitter. Criteria: Invitae Variant Classification Sherloc (09022015). Collection method: clinical testing. Allele origin: germline.

Myriad Genetics, Inc.
Classification: Likely benign for Tuberous sclerosis 2. Last evaluated: 2025-05-30. Review status: criteria provided, single submitter. Criteria: Myriad Autosomal Dominant, Autosomal Recessive and X-Linked Classification Criteria (2023). Collection method: clinical testing. Allele origin: unknown.
Comment: This variant is considered likely benign. This variant is intronic and is not expected to impact mRNA splicing.

Fulgent Genetics
Classification: Likely benign for Lymphangiomyomatosis; Isolated focal cortical dysplasia type II; Tuberous sclerosis 2. Last evaluated: 2022-01-07. Review status: criteria provided, single submitter. Criteria: ACMG Guidelines, 2015. Collection method: clinical testing. Allele origin: unknown.

Genome-Nilou Lab
Classification: Benign for Tuberous sclerosis 2. Last evaluated: 2021-11-07. Review status: criteria provided, single submitter. Criteria: ACMG Guidelines, 2015. Collection method: clinical testing. Allele origin: germline. Affected: no.

GeneDx
Classification: Likely benign. Last evaluated: 2017-12-12. Review status: criteria provided, single submitter. Criteria: GeneDx Variant Classification (06012015). Collection method: clinical testing. Allele origin: germline. Affected: yes.
Comment: This variant is considered likely benign or benign based on one or more of the following criteria: it is a conservative change, it occurs at a poorly conserved position in the protein, it is predicted to be benign by multiple in silico algorithms, and/or has population frequency not consistent with disease.